The following is an entry in ClinVar:

NC_012920.1(MT-ND4):m.10915T>G

Gene: MT-ND4 (mitochondrially encoded NADH dehydrogenase 4; plus strand).
Variant type: single nucleotide variant.
Genome position: chrM-10915-T-G.
Identifiers: ClinVar variation 693328 (VCV000693328.1), dbSNP rs2857285, ClinGen allele CA337099049.

ClinVar aggregate classification (germline): Uncertain significance (1 of 4 stars; one submission).

Conditions:
Leigh syndrome (NULS). Also called: Leigh's necrotizing encephalopathy; Leigh's disease; Leigh Syndrome (mtDNA deletion); Leigh Disease; Subacute necrotizing encephalopathy; Necrotizing encephalopathy infantile subacute of Leigh. Identifiers: Orphanet 506, MedGen C2931891, MONDO:0009723, OMIM 256000.

Submission:

Wong Mito Lab, Molecular and Human Genetics, Baylor College of Medicine
Classification: Uncertain significance for Leigh syndrome. Last evaluated: 2019-10-17. Review status: criteria provided, single submitter. Criteria: Modified ACMG Guidelines (Unpublished). Collection method: clinical testing. Allele origin: germline.
Comment: The NC_012920.1:m.10915T>G (YP_003024035.1:p.Cys52Trp) variant in MTND4 gene is interpretated to be a Uncertain Significance variant based on the modified ACMG guidelines (unpublished). This variant meets the following evidence codes: PP7, BP5